The following is an entry in ClinVar:

NM_004168.4(SDHA):c.934_936del (p.Arg312del)

Gene: SDHA (succinate dehydrogenase complex flavoprotein subunit A; plus strand). Cytogenetic location: 5p15.33.
Variant type: Deletion.
Coding change: c.934_936del on transcript NM_004168.4 (MANE Select); coding-DNA positions 934 to 936, 3 bases deleted (CGT; older notation c.934_936delCGT).
Protein change: p.Arg312del; deletes arginine 312.
Molecular consequence: inframe deletion.
Genome position (GRCh38, 1-based): chr5:233,515-233,517, CGT deleted; deleting any 3 consecutive bases within chr5:233,513-233,517 gives the same sequence; the c. name uses the placement nearest the transcript's 3' end. VCF-style (leftmost placement, unchanged base first): chr5-233512-TGTC-T. GRCh37 (hg19) VCF-style: chr5-233627-TGTC-T.
Other names: c.790_792del, p.Arg264del (NM_001294332.2); c.934_936del, p.Arg312del (NM_001330758.2); c.934_936delCGT (NM_004168.2); short protein forms R312del, R264del.
Identifiers: ClinVar variation 1495196 (VCV001495196.9), dbSNP rs1735548711, ClinGen allele CA1072373621.

ClinVar aggregate classification (germline): Uncertain significance. Review status: criteria provided, multiple submitters, no conflicts (2 of 4 stars). 2 submissions from 2 submitters: Uncertain significance (2). Last evaluated 2026-04-21.

Conditions:
Mitochondrial complex II deficiency, nuclear type 1. Also called: SUCCINATE CoQ REDUCTASE DEFICIENCY. Identifiers: Orphanet 3208, MedGen C5700310, MONDO:0100294, OMIM 252011.
Pheochromocytoma/paraganglioma syndrome 5. Also called: Paragangliomas 5; SDHA-Related Hereditary Paraganglioma-Pheochromocytoma Syndrome. Identifiers: Orphanet 29072, MedGen C3279992, MONDO:0013602, OMIM 614165.
Hereditary cancer-predisposing syndrome. Also called: Neoplastic Syndromes, Hereditary; Hereditary Cancer Syndrome; Hereditary neoplastic syndrome; Tumor predisposition. Identifiers: Orphanet 140162, MedGen C0027672, MeSH D009386, MONDO:0015356.

Submissions (2):

Ambry Genetics
Classification: Uncertain significance for Hereditary cancer-predisposing syndrome. Last evaluated: 2026-04-21. Review status: criteria provided, single submitter. Criteria: Ambry Variant Classification Scheme 2023. Collection method: clinical testing. Allele origin: germline.
Comment: The c.934_936delCGT variant (also known as p.R312del) is located in coding exon 8 of the SDHA gene. This variant results from an in-frame CGT deletion at nucleotide positions 934 to 936. This results in the in-frame deletion of an arginine at codon 312. This amino acid position is highly conserved in available vertebrate species. In addition, this variant is predicted to be deleterious by in silico analysis (Choi Y et al. PLoS ONE. 2012; 7(10):e46688). Based on the available evidence, the clinical significance of this variant remains unclear.

Labcorp Genetics (formerly Invitae), Labcorp
Classification: Uncertain significance for Pheochromocytoma/paraganglioma syndrome 5; Mitochondrial complex II deficiency, nuclear type 1. Last evaluated: 2021-06-25. Review status: criteria provided, single submitter. Criteria: Invitae Variant Classification Sherloc (09022015). Collection method: clinical testing. Allele origin: germline.
Comment: In summary, the available evidence is currently insufficient to determine the role of this variant in disease. Therefore, it has been classified as a Variant of Uncertain Significance. Experimental studies and prediction algorithms are not available or were not evaluated, and the functional significance of this variant is currently unknown. This variant has not been reported in the literature in individuals with SDHA-related conditions. This variant is not present in population databases (ExAC no frequency). This variant, c.934_936del, results in the deletion of 1 amino acid(s) of the SDHA protein (p.Arg312del), but otherwise preserves the integrity of the reading frame.